The following is an entry in ClinVar:

ClinVar aggregate classification (germline): Uncertain significance (1 of 4 stars; one submission).

Conditions:
Rhabdoid tumor predisposition syndrome 2 (RTPS2). Identifiers: Orphanet 231108, Orphanet 69077, MedGen C2750074, MONDO:0013224, OMIM 613325.

Submission:

Labcorp Genetics (formerly Invitae), Labcorp
Classification: Uncertain significance for Rhabdoid tumor predisposition syndrome 2. Last evaluated: 2023-02-27. Review status: criteria provided, single submitter. Criteria: Invitae Variant Classification Sherloc (09022015). Collection method: clinical testing. Allele origin: germline.
Comment: In summary, the available evidence is currently insufficient to determine the role of this variant in disease. Therefore, it has been classified as a Variant of Uncertain Significance. Algorithms developed to predict the effect of sequence changes on RNA splicing suggest that this variant may create or strengthen a splice site. This variant has not been reported in the literature in individuals affected with SMARCA4-related conditions. This variant is not present in population databases (gnomAD no frequency). This sequence change falls in intron 28 of the SMARCA4 gene. It does not directly change the encoded amino acid sequence of the SMARCA4 protein.

NM_003072.5(SMARCA4):c.3952-11C>G

Gene: SMARCA4 (SWI/SNF related BAF chromatin remodeling complex subunit ATPase 4; plus strand). Cytogenetic location: 19p13.2.
Variant type: single nucleotide variant.
Coding change: c.3952-11C>G on transcript NM_003072.5 (MANE Select); 11 bases into the intron before coding-DNA position 3952, C replaced by G.
Molecular consequence: intron variant.
Genome position (GRCh38, 1-based): chr19:11,034,903, C>G. VCF-style: chr19-11034903-C-G. GRCh37 (hg19) VCF-style: chr19-11145579-C-G.
Other names: c.3952-11C>G (NM_001128844.3, NM_001128849.3, NM_001387283.1); c.3853-11C>G (NM_001128847.4, NM_001411150.1, NM_001374457.1 and 3 more transcripts).
Identifiers: ClinVar variation 3003067 (VCV003003067.3), dbSNP rs1555785321, ClinGen allele CA2740091867.